The following is an entry in ClinVar:

ClinVar aggregate classification (germline): Benign/Likely benign. Review status: criteria provided, multiple submitters, no conflicts (2 of 4 stars). 4 submissions from 4 submitters: Benign (1); Likely benign (3). Last evaluated 2026-01-25.

Conditions:
Inborn genetic diseases. Identifiers: MedGen C0950123, MeSH D030342.
Imerslund-Grasbeck syndrome type 1 (IGS1). Also called: Megaloblastic anemia 1, Finnish type; MEGALOBLASTIC ANEMIA, 1; Imerslund-Gräsbeck syndrome 1. Identifiers: MedGen C4016819, MONDO:0100156, OMIM 261100.
Imerslund-Grasbeck syndrome. Also called: ENTEROCYTE COBALAMIN MALABSORPTION; ENTEROCYTE INTRINSIC FACTOR RECEPTOR, DEFECT OF; Imerslund-Gräsbeck syndrome; PERNICIOUS ANEMIA, JUVENILE, DUE TO SELECTIVE INTESTINAL MALABSORPTION OF VITAMIN B12, WITH PROTEINURIA; Megaloblastic anemia due to inborn errors of metabolism. Identifiers: Orphanet 35858, MedGen C4551825, MONDO:0009853.

Allele frequency attached by ClinVar (database versions not stated): gnomAD exomes 0.00020 and 0.00076; ESP Exome Variant Server 0.00031; gnomAD 0.00041 and 0.00046; TOPMed 0.00063; ExAC 0.00077; 1000 Genomes Project 30x 0.00094; 1000 Genomes Project 0.00100.
gnomAD v4.1: 420 of 1,613,976 alleles (0.026%); highest among the groups gnomAD compares: East Asian, 0.61%; 3 homozygotes.

Submissions (4):

Labcorp Genetics (formerly Invitae), Labcorp
Classification: Benign for Imerslund-Grasbeck syndrome. Last evaluated: 2026-01-25. Review status: criteria provided, single submitter. Criteria: Invitae Variant Classification Sherloc (09022015). Collection method: clinical testing. Allele origin: germline.

Ambry Genetics
Classification: Likely benign for Inborn genetic diseases. Last evaluated: 2025-03-03. Review status: criteria provided, single submitter. Criteria: Ambry Variant Classification Scheme 2023. Collection method: clinical testing. Allele origin: germline.

Blueprint Genetics
Classification: Likely benign. Last evaluated: 2024-11-14. Review status: criteria provided, single submitter. Criteria: ACMG Guidelines, 2015. Collection method: clinical testing. Allele origin: germline.

Illumina Laboratory Services, Illumina
Classification: Likely benign for Imerslund-Grasbeck syndrome type 1. Last evaluated: 2018-01-13. Review status: criteria provided, single submitter. Criteria: ICSL Variant Classification Criteria 13 December 2019. Collection method: clinical testing. Allele origin: germline.
Comment: This variant was observed in the ICSL laboratory as part of a predisposition screen in an ostensibly healthy population. It had not been previously curated by ICSL or reported in the Human Gene Mutation Database (HGMD: prior to June 1st, 2018), and was therefore a candidate for classification through an automated scoring system. Utilizing variant allele frequency, disease prevalence and penetrance estimates, and inheritance mode, an automated score was calculated to assess if this variant is too frequent to cause the disease. Based on the score and internal cut-off values, a variant classified as likely benign is not then subjected to further curation. The score for this variant resulted in a classification of likely benign for this disease.

NM_001081.4(CUBN):c.6089G>A (p.Arg2030Gln)

Gene: CUBN (cubilin; minus strand). Cytogenetic location: 10p13.
Variant type: single nucleotide variant.
Coding change: c.6089G>A on transcript NM_001081.4 (MANE Select); coding-DNA position 6089, G replaced by A.
Protein change: p.Arg2030Gln; replaces arginine 2030 with glutamine.
Molecular consequence: missense variant.
Genome position (GRCh38, 1-based): chr10:16,933,122, C>T on the plus strand (G>A on the coding strand, the complement: CUBN is on the minus strand). VCF-style: chr10-16933122-C-T. GRCh37 (hg19) VCF-style: chr10-16975121-C-T.
Other names: short protein forms R2030Q.
Identifiers: ClinVar variation 299446 (VCV000299446.18), dbSNP rs143400113, ClinGen allele CA5423814.